The following is an entry in ClinVar:

NM_020376.4(PNPLA2):c.1376T>C (p.Leu459Pro)

Gene: PNPLA2 (patatin like domain 2, triacylglycerol lipase; plus strand). Cytogenetic location: 11p15.5.
Variant type: single nucleotide variant.
Coding change: c.1376T>C on transcript NM_020376.4 (MANE Select); coding-DNA position 1376, T replaced by C.
Protein change: p.Leu459Pro; replaces leucine 459 with proline.
Molecular consequence: missense variant.
Genome position (GRCh38, 1-based): chr11:824,723, T>C. VCF-style: chr11-824723-T-C. GRCh37 (hg19) VCF-style: chr11-824723-T-C.
Other names: short protein forms L459P.
Identifiers: ClinVar variation 1988385 (VCV001988385.4), dbSNP rs1273764539, ClinGen allele CA378985361.
Genomic context (GRCh38, chr11:824,723, plus strand): 5'-GCCAGCGCCAGCTGCTGCTCGGCCTCTTCTGCACCAACGTGGCCTTCCCGCCCGAAGCTC[T>C]GCGCATGCGCGCACCCGCCGACCCGGCTCCCGCCCCCGCGGACCCAGCATCCCCGCAGCA-3'
Protein context (NP_065109.1, residues 449-469): CTNVAFPPEA[Leu459Pro]RMRAPADPAP

ClinVar aggregate classification (germline): Uncertain significance (1 of 4 stars; one submission).

Conditions:
Neutral lipid storage myopathy (NLSDM). Also called: NEUTRAL LIPID STORAGE DISEASE WITHOUT ICHTHYOSIS. Identifiers: Orphanet 98908, MedGen C1853136, MONDO:0012545, OMIM 610717.

Allele frequency attached by ClinVar (database versions not stated): TOPMed 0.00001; gnomAD 0.00002.

Submission:

Labcorp Genetics (formerly Invitae), Labcorp
Classification: Uncertain significance for Neutral lipid storage myopathy. Last evaluated: 2022-09-27. Review status: criteria provided, single submitter. Criteria: Invitae Variant Classification Sherloc (09022015). Collection method: clinical testing. Allele origin: germline.
Comment: In summary, the available evidence is currently insufficient to determine the role of this variant in disease. Therefore, it has been classified as a Variant of Uncertain Significance. Algorithms developed to predict the effect of missense changes on protein structure and function (SIFT, PolyPhen-2, Align-GVGD) all suggest that this variant is likely to be tolerated. This variant has not been reported in the literature in individuals affected with PNPLA2-related conditions. This variant is not present in population databases (gnomAD no frequency). This sequence change replaces leucine, which is neutral and non-polar, with proline, which is neutral and non-polar, at codon 459 of the PNPLA2 protein (p.Leu459Pro).